The following is an entry in ClinVar:

NM_002578.5(PAK3):c.884C>T (p.Ala295Val)

Gene: PAK3 (p21 (RAC1) activated kinase 3; plus strand). Cytogenetic location: Xq23.
Variant type: single nucleotide variant.
Coding change: c.884C>T on transcript NM_002578.5 (MANE Select); coding-DNA position 884, C replaced by T.
Protein change: p.Ala295Val; replaces alanine 295 with valine.
Molecular consequence: missense variant. On other transcripts: non-coding transcript variant (2).
Genome position (GRCh38, 1-based): chrX:111,192,510, C>T. VCF-style: chrX-111192510-C-T. GRCh37 (hg19) VCF-style: chrX-110435738-C-T.
Other names: c.884C>T, p.Ala295Val (NM_001128166.3, NM_001128167.3, NM_001324325.2 and 5 more transcripts); c.992C>T, p.Ala331Val (NM_001128168.3); c.947C>T, p.Ala316Val (NM_001128172.2); c.929C>T, p.Ala310Val (NM_001128173.3, NM_001324327.2, NM_001324328.2 and 2 more transcripts); short protein forms A295V, A310V, A316V, A331V.
Identifiers: ClinVar variation 2579999 (VCV002579999.1), dbSNP rs2524160206, ClinGen allele CA414237582.

ClinVar aggregate classification (germline): Uncertain significance (1 of 4 stars; one submission).

Submission:

GeneDx
Classification: Uncertain significance. Last evaluated: 2023-03-09. Review status: criteria provided, single submitter. Criteria: GeneDx Variant Classification Process June 2021. Collection method: clinical testing. Allele origin: germline. Affected: yes.
Comment: Not observed at significant frequency in large population cohorts (gnomAD); In silico analysis supports that this missense variant has a deleterious effect on protein structure/function; Has not been previously published as pathogenic or benign to our knowledge